The following is an entry in ClinVar:

ClinVar aggregate classification (germline): Likely benign. Review status: criteria provided, multiple submitters, no conflicts (2 of 4 stars). 3 submissions from 3 submitters: Likely benign (2). 1 of the submissions does not count toward it. Last evaluated 2024-03-11.

Conditions:
Hypoplastic left heart syndrome. Also called: Hypoplastic left heart; Hypoplastic left ventricle. Identifiers: Orphanet 2248, MedGen C0152101, MONDO:0004933, HP:0004383.
HAND1-related disorder. Also called: HAND1-related condition.

Allele frequency attached by ClinVar (database versions not stated): gnomAD 0.00001; TOPMed 0.00001.
gnomAD v4.1: 11 of 1,614,086 alleles (0.00068%); highest among the groups gnomAD compares: Non-Finnish European, 0.00093%; no homozygotes.

Submissions (3):

Blueprint Genetics
Classification: Likely benign. Last evaluated: 2024-03-11. Review status: criteria provided, single submitter. Criteria: ACMG Guidelines, 2015. Collection method: clinical testing. Allele origin: germline.

Labcorp Genetics (formerly Invitae), Labcorp
Classification: Likely benign for Hypoplastic left heart syndrome. Last evaluated: 2022-12-23. Review status: criteria provided, single submitter. Criteria: Invitae Variant Classification Sherloc (09022015). Collection method: clinical testing. Allele origin: germline.

PreventionGenetics, part of Exact Sciences
Classification: Likely benign for HAND1-related condition. Last evaluated: 2023-04-06. Review status: no assertion criteria provided. Collection method: clinical testing. Allele origin: germline. Not counted in ClinVar's aggregate classification.
Comment: This variant is classified as likely benign based on ACMG/AMP sequence variant interpretation guidelines (Richards et al. 2015 PMID: 25741868, with internal and published modifications).

NM_004821.3(HAND1):c.480G>A (p.Glu160=)

Gene: HAND1 (heart and neural crest derivatives expressed 1; minus strand). Cytogenetic location: 5q33.2.
Variant type: single nucleotide variant.
Coding change: c.480G>A on transcript NM_004821.3 (MANE Select); coding-DNA position 480, G replaced by A.
Protein change: p.Glu160=; no amino-acid change (glutamic acid 160 retained).
Molecular consequence: synonymous variant.
Genome position (GRCh38, 1-based): chr5:154,477,529, C>T on the plus strand (G>A on the coding strand, the complement: HAND1 is on the minus strand). VCF-style: chr5-154477529-C-T. GRCh37 (hg19) VCF-style: chr5-153857089-C-T.
Other names: c.480G>A (NM_004821.2).
Identifiers: ClinVar variation 2914477 (VCV002914477.6), dbSNP rs1201471420, ClinGen allele CA447421577.
Genomic context (GRCh38, chr5:154,477,529, plus strand): 5'-CTCCCTTTTCCGCTTGCTCTCACGGCCGCCATCCGCCTTCTTGAGTTCAGCCTTGAAGGC[C>T]TCGGGATCGCCAGACTGTGCATCCTTGGCCAGCACGTCCATCAGGTAGGCGATGTAGCTG-3'
Protein context (NP_004812.1, residues 150-170): LAKDAQSGDP[Glu160=]AFKAELKKAD